The following is an entry in ClinVar:

ClinVar aggregate classification (germline): Likely benign. Review status: criteria provided, multiple submitters, no conflicts (2 of 4 stars). 9 submissions from 5 submitters: Likely benign (9). Last evaluated 2026-06-01.

Conditions:
Hereditary cryohydrocytosis with reduced stomatin. Also called: Stomatin-deficient cryohydrocytosis with neurologic defects; GLUT1 DEFICIENCY SYNDROME WITH PSEUDOHYPERKALEMIA AND HEMOLYSIS. Identifiers: Orphanet 168577, MedGen C1837206, MONDO:0012143, OMIM 608885.
Dystonia 9 (DYT9). Also called: CHOREOATHETOSIS, KINESIGENIC, WITH EPISODIC ATAXIA AND SPASTICITY. Identifiers: Orphanet 53583, MedGen C1832855, MONDO:0010983, OMIM 601042.
Epilepsy, idiopathic generalized, susceptibility to, 12 (EIG12). Identifiers: MedGen C3553859, MONDO:0013919, OMIM 614847.
Inborn genetic diseases. Identifiers: MedGen C0950123, MeSH D030342.
Encephalopathy due to GLUT1 deficiency. Also called: Classic Glucose Transporter Type 1 Deficiency Syndrome; De Vivo disease; GLUT1 deficiency syndrome 1; GLUCOSE TRANSPORT DEFECT, BLOOD-BRAIN BARRIER; Glucose transporter protein syndrome; GLUT1 deficiency syndrome 1, infantile onset, severe. Identifiers: Orphanet 71277, MedGen C4551966, MONDO:0011724, OMIM 606777.
GLUT1 deficiency syndrome 1, autosomal recessive. Identifiers: MedGen C3149117.
Childhood onset GLUT1 deficiency syndrome 2. Also called: Paroxysmal exercise-induced dystonia; Exertion-induced paroxysmal dyskinesia; PAROXYSMAL EXERCISE-INDUCED DYSKINESIA WITH OR WITHOUT EPILEPSY AND/OR HEMOLYTIC ANEMIA; PAROXYSMAL EXERTION-INDUCED DYSTONIA WITH OR WITHOUT EPILEPSY AND/OR HEMOLYTIC ANEMIA; PED WITH OR WITHOUT EPILEPSY AND/OR HEMOLYTIC ANEMIA; GLUT1 deficiency syndrome 2. Identifiers: Orphanet 98811, MedGen C1842534, MONDO:0012805, OMIM 612126.

Allele frequency attached by ClinVar (database versions not stated): gnomAD 0.00003 and 0.00004; TOPMed 0.00003.
gnomAD v4.1: 53 of 1,614,030 alleles (0.0033%); highest among the groups gnomAD compares: Middle Eastern, 0.049%; no homozygotes.

Submissions (9):

CeGaT Center for Human Genetics Tuebingen
Classification: Likely benign. Last evaluated: 2026-06-01. Review status: criteria provided, single submitter. Criteria: CeGaT Center For Human Genetics Tuebingen Variant Classification Criteria Version 2. Collection method: clinical testing. Allele origin: germline. Affected: yes. Observed: 2 variant alleles.
Comment: SLC2A1: BP4, BP7

Labcorp Genetics (formerly Invitae), Labcorp
Classification: Likely benign for GLUT1 deficiency syndrome 1, autosomal recessive. Last evaluated: 2025-06-27. Review status: criteria provided, single submitter. Criteria: Invitae Variant Classification Sherloc (09022015). Collection method: clinical testing. Allele origin: germline.

Blueprint Genetics
Classification: Likely benign. Last evaluated: 2024-09-16. Review status: criteria provided, single submitter. Criteria: ACMG Guidelines, 2015. Collection method: clinical testing. Allele origin: germline.

Genome-Nilou Lab
Classification: Likely benign for Epilepsy, idiopathic generalized, susceptibility to, 12. Last evaluated: 2023-04-11. Review status: criteria provided, single submitter. Criteria: ACMG Guidelines, 2015. Collection method: clinical testing. Allele origin: germline. Affected: no.

Genome-Nilou Lab
Classification: Likely benign for Dystonia 9. Last evaluated: 2023-04-11. Review status: criteria provided, single submitter. Criteria: ACMG Guidelines, 2015. Collection method: clinical testing. Allele origin: germline. Affected: no.

Genome-Nilou Lab
Classification: Likely benign for Encephalopathy due to GLUT1 deficiency. Last evaluated: 2023-04-11. Review status: criteria provided, single submitter. Criteria: ACMG Guidelines, 2015. Collection method: clinical testing. Allele origin: germline. Affected: no.

Genome-Nilou Lab
Classification: Likely benign for Childhood onset GLUT1 deficiency syndrome 2. Last evaluated: 2023-04-11. Review status: criteria provided, single submitter. Criteria: ACMG Guidelines, 2015. Collection method: clinical testing. Allele origin: germline. Affected: no.

Genome-Nilou Lab
Classification: Likely benign for Hereditary cryohydrocytosis with reduced stomatin. Last evaluated: 2023-04-11. Review status: criteria provided, single submitter. Criteria: ACMG Guidelines, 2015. Collection method: clinical testing. Allele origin: germline. Affected: no.

Ambry Genetics
Classification: Likely benign for Inborn genetic diseases. Last evaluated: 2016-08-29. Review status: criteria provided, single submitter. Criteria: Ambry Variant Classification Scheme 2023. Collection method: clinical testing. Allele origin: germline.

NM_006516.4(SLC2A1):c.606C>T (p.Ile202=)

Gene: SLC2A1 (solute carrier family 2 member 1; minus strand). Cytogenetic location: 1p34.2.
Variant type: single nucleotide variant.
Coding change: c.606C>T on transcript NM_006516.4 (MANE Select); coding-DNA position 606, C replaced by T.
Protein change: p.Ile202=; no amino-acid change (isoleucine 202 retained).
Molecular consequence: synonymous variant.
Genome position (GRCh38, 1-based): chr1:42,929,946, G>A on the plus strand (C>T on the coding strand, the complement: SLC2A1 is on the minus strand). VCF-style: chr1-42929946-G-A. GRCh37 (hg19) VCF-style: chr1-43395617-G-A.
Identifiers: ClinVar variation 588214 (VCV000588214.37), dbSNP rs779779804, ClinGen allele CA803491.